The following is an entry in ClinVar:

NM_030777.4(SLC2A10):c.4G>A (p.Gly2Ser)

Gene: SLC2A10 (solute carrier family 2 member 10; plus strand). Cytogenetic location: 20q13.12.
Variant type: single nucleotide variant.
Coding change: c.4G>A on transcript NM_030777.4 (MANE Select); coding-DNA position 4, G replaced by A.
Protein change: p.Gly2Ser; replaces glycine 2 with serine.
Molecular consequence: missense variant.
Genome position (GRCh38, 1-based): chr20:46,709,740, G>A. VCF-style: chr20-46709740-G-A. GRCh37 (hg19) VCF-style: chr20-45338379-G-A.
Other names: short protein forms G2S.
Identifiers: ClinVar variation 2063252 (VCV002063252.3), dbSNP rs1208065053, ClinGen allele CA409262070.

ClinVar aggregate classification (germline): Uncertain significance (1 of 4 stars; one submission).

Conditions:
Arterial tortuosity syndrome (ATORS). Identifiers: Orphanet 3342, MedGen C1859726, MONDO:0008818, OMIM 208050.

Allele frequency attached by ClinVar (database versions not stated): gnomAD exomes below 0.00001; gnomAD 0.00001; TOPMed 0.00001.

Submission:

Labcorp Genetics (formerly Invitae), Labcorp
Classification: Uncertain significance for Arterial tortuosity syndrome. Last evaluated: 2025-08-13. Review status: criteria provided, single submitter. Criteria: Invitae Variant Classification Sherloc (09022015). Collection method: clinical testing. Allele origin: germline.
Comment: This sequence change replaces glycine, which is neutral and non-polar, with serine, which is neutral and polar, at codon 2 of the SLC2A10 protein (p.Gly2Ser). This variant also falls at the last nucleotide of exon 1, which is part of the consensus splice site for this exon. The frequency data for this variant in the population databases is considered unreliable, as metrics indicate poor data quality at this position in the gnomAD database. This variant has not been reported in the literature in individuals affected with SLC2A10-related conditions. ClinVar contains an entry for this variant (Variation ID: 2063252). Invitae Evidence Modeling of protein sequence and biophysical properties (such as structural, functional, and spatial information, amino acid conservation, physicochemical variation, residue mobility, and thermodynamic stability) indicates that this missense variant is not expected to disrupt SLC2A10 protein function with a negative predictive value of 95%. Variants that disrupt the consensus splice site are a relatively common cause of aberrant splicing (PMID: 17576681, 9536098). In summary, the available evidence is currently insufficient to determine the role of this variant in disease. Therefore, it has been classified as a Variant of Uncertain Significance.

Literature cited by the submitters: PubMed 17576681; PubMed 9536098.